The following is an entry in ClinVar:

NM_001143981.2(CHRDL1):c.751A>G (p.Ile251Val)

Gene: CHRDL1 (chordin like 1; minus strand). Cytogenetic location: Xq23.
Variant type: single nucleotide variant.
Coding change: c.751A>G on transcript NM_001143981.2 (MANE Select); coding-DNA position 751, A replaced by G.
Protein change: p.Ile251Val; replaces isoleucine 251 with valine.
Molecular consequence: missense variant. On other transcripts: non-coding transcript variant (1).
Genome position (GRCh38, 1-based): chrX:110,694,190, T>C on the plus strand (A>G on the coding strand, the complement: CHRDL1 is on the minus strand). VCF-style: chrX-110694190-T-C. GRCh37 (hg19) VCF-style: chrX-109937418-T-C.
Other names: c.748A>G, p.Ile250Val (NM_001143982.2, NM_001367207.1, NM_145234.4); c.511A>G, p.Ile171Val (NM_001143983.3); c.751A>G, p.Ile251Val (NM_001367204.1, NM_001367205.1, NM_001367206.1 and 2 more transcripts); short protein forms I250V, I251V, I171V.
Identifiers: ClinVar variation 2052230 (VCV002052230.4), dbSNP rs781026512, ClinGen allele CA10492400.

ClinVar aggregate classification (germline): Uncertain significance (1 of 4 stars; one submission).

Allele frequency attached by ClinVar (database versions not stated): 1000 Genomes Project 30x 0.00021; 1000 Genomes Project 0.00026; ExAC 0.00001; gnomAD 0.00001.
gnomAD v4.1: 17 of 1,208,346 alleles (0.0014%); highest among the groups gnomAD compares: Non-Finnish European, 0.0018%; no homozygotes.

Submission:

Labcorp Genetics (formerly Invitae), Labcorp
Classification: Uncertain significance. Last evaluated: 2022-06-12. Review status: criteria provided, single submitter. Criteria: Invitae Variant Classification Sherloc (09022015). Collection method: clinical testing. Allele origin: germline.
Comment: In summary, the available evidence is currently insufficient to determine the role of this variant in disease. Therefore, it has been classified as a Variant of Uncertain Significance. Algorithms developed to predict the effect of missense changes on protein structure and function (SIFT, PolyPhen-2, Align-GVGD) all suggest that this variant is likely to be tolerated. This variant has not been reported in the literature in individuals affected with CHRDL1-related conditions. This variant is present in population databases (rs781026512, gnomAD 0.008%). This sequence change replaces isoleucine, which is neutral and non-polar, with valine, which is neutral and non-polar, at codon 251 of the CHRDL1 protein (p.Ile251Val).